The following is an entry in ClinVar:

ClinVar aggregate classification (germline): Uncertain significance. Review status: criteria provided, multiple submitters, no conflicts (2 of 4 stars). 2 submissions from 2 submitters: Uncertain significance (2). Last evaluated 2025-12-02.

Conditions:
Inborn genetic diseases. Identifiers: MedGen C0950123, MeSH D030342.
SLC32A1-related condition.

Allele frequency attached by ClinVar (database versions not stated): gnomAD exomes below 0.00001; gnomAD 0.00001; TOPMed 0.00003.
gnomAD v4.1: 6 of 1,543,962 alleles (0.00039%); highest among the groups gnomAD compares: African/African-American, 0.0028%; no homozygotes.

Submissions (2):

PreventionGenetics, part of Exact Sciences
Classification: Uncertain significance for SLC32A1-related condition. Last evaluated: 2025-12-02. Review status: criteria provided, single submitter. Criteria: ACMG Guidelines, 2015. Collection method: clinical testing. Allele origin: germline.
Comment: The SLC32A1 c.302A>T variant is predicted to result in the amino acid substitution p.Gln101Leu. To our knowledge, this variant has not been reported in the literature. This variant is reported in 1 allele out of 191900 alleles in gnomAD. At this time, the clinical significance of this variant is uncertain due to the absence of conclusive functional and genetic evidence.

Ambry Genetics
Classification: Uncertain significance for Inborn genetic diseases. Last evaluated: 2023-06-29. Review status: criteria provided, single submitter. Criteria: Ambry Variant Classification Scheme 2023. Collection method: clinical testing. Allele origin: germline.

NM_080552.3(SLC32A1):c.302A>T (p.Gln101Leu)

Gene: SLC32A1 (solute carrier family 32 member 1; plus strand). Cytogenetic location: 20q11.23.
Variant type: single nucleotide variant.
Coding change: c.302A>T on transcript NM_080552.3 (MANE Select); coding-DNA position 302, A replaced by T.
Protein change: p.Gln101Leu; replaces glutamine 101 with leucine.
Molecular consequence: missense variant.
Genome position (GRCh38, 1-based): chr20:38,725,026, A>T. VCF-style: chr20-38725026-A-T. GRCh37 (hg19) VCF-style: chr20-37353669-A-T.
Other names: short protein forms Q101L.
Identifiers: ClinVar variation 2608613 (VCV002608613.3), dbSNP rs1157562457, ClinGen allele CA408902524.